The following is an entry in ClinVar:

NM_007294.4(BRCA1):c.4151G>A (p.Gly1384Glu)

Gene: BRCA1 (BRCA1 DNA repair associated; minus strand). Cytogenetic location: 17q21.31.
Variant type: single nucleotide variant.
Coding change: c.4151G>A on transcript NM_007294.4 (MANE Select); coding-DNA position 4151, G replaced by A.
Protein change: p.Gly1384Glu; replaces glycine 1384 with glutamic acid.
Molecular consequence: missense variant. On other transcripts: non-coding transcript variant (1).
Genome position (GRCh38, 1-based): chr17:43,090,978, C>T on the plus strand (G>A on the coding strand, the complement: BRCA1 is on the minus strand). VCF-style: chr17-43090978-C-T. GRCh37 (hg19) VCF-style: chr17-41242995-C-T.
Other names: c.3938G>A, p.Gly1313Glu (NM_001407571.1, NM_001407853.1, NM_001407894.1 and 9 more transcripts); c.4151G>A, p.Gly1384Glu (NM_001407581.1, NM_001407582.1, NM_001407583.1 and 30 more transcripts); c.4148G>A, p.Gly1383Glu (NM_001407587.1, NM_001407590.1, NM_001407591.1 and 22 more transcripts); c.4142G>A, p.Gly1381Glu (NM_001407646.1, NM_001407647.1); c.4028G>A, p.Gly1343Glu (NM_001407648.1, NM_001407664.1, NM_001407665.1 and 19 more transcripts); c.4025G>A, p.Gly1342Glu (NM_001407649.1, NM_001407670.1, NM_001407671.1 and 11 more transcripts); c.4073G>A, p.Gly1358Glu (NM_001407653.1, NM_001407654.1, NM_001407655.1 and 4 more transcripts); c.4070G>A, p.Gly1357Glu (NM_001407659.1, NM_001407660.1, NM_001407661.1 and 1 more transcripts); and 41 more; short protein forms G1384E, G1337E, G281E, G113E, G1216E, G1313E, G1357E, G169E.
Identifiers: ClinVar variation 187199 (VCV000187199.13), dbSNP rs786203545, ClinGen allele CA002658.
Genomic context (GRCh38, chr17:43,090,978, plus strand): 5'-TGTGCACACACACACACGCTTTTTACCTGAGTGGTTAAAATGTCACTCTGAGAGGATAGC[C>T]CTGAGCAGTCTTCAGAGACGCTTGTTTCACTCTCACACCCAGATGCTGCTTCACCTTAAA-3'
Protein context (NP_009225.1, residues 1374-1394): SETSVSEDCS[Gly1384Glu]LSSQSDILTT

ClinVar aggregate classification (germline): Uncertain significance. Review status: criteria provided, multiple submitters, no conflicts (2 of 4 stars). 2 submissions from 2 submitters: Uncertain significance (2). Last evaluated 2025-07-31.

Conditions:
Hereditary cancer-predisposing syndrome. Also called: Neoplastic Syndromes, Hereditary; Tumor predisposition; Hereditary Cancer Syndrome; Hereditary neoplastic syndrome. Identifiers: Orphanet 140162, MedGen C0027672, MeSH D009386, MONDO:0015356.
Hereditary breast ovarian cancer syndrome. Also called: Hereditary breast and ovarian cancer; Hereditary breast and/or ovarian cancer syndrome; BRCA1- and BRCA2-Associated Hereditary Breast and Ovarian Cancer; Hereditary breast and ovarian cancer syndrome (HBOC); Hereditary breast and ovarian cancer syndrome; Breast and ovarian cancer. Identifiers: Orphanet 145, MedGen C0677776, MeSH D061325, MONDO:0003582. Disease mechanism: loss of function.

Submissions (2):

Ambry Genetics
Classification: Uncertain significance for Hereditary cancer-predisposing syndrome. Last evaluated: 2025-07-31. Review status: criteria provided, single submitter. Criteria: Ambry Variant Classification Scheme 2023. Collection method: clinical testing. Allele origin: germline.
Comment: The p.G1384E variant (also known as c.4151G>A), located in coding exon 10 of the BRCA1 gene, results from a G to A substitution at nucleotide position 4151. The glycine at codon 1384 is replaced by glutamic acid, an amino acid with similar properties. This amino acid position is not well conserved in available vertebrate species. In addition, the in silico prediction for this alteration is inconclusive. Based on the available evidence, the clinical significance of this variant remains unclear.

Labcorp Genetics (formerly Invitae), Labcorp
Classification: Uncertain significance for Hereditary breast ovarian cancer syndrome. Last evaluated: 2022-08-25. Review status: criteria provided, single submitter. Criteria: Invitae Variant Classification Sherloc (09022015). Collection method: clinical testing. Allele origin: germline.
Comment: This variant is not present in population databases (gnomAD no frequency). This sequence change replaces glycine, which is neutral and non-polar, with glutamic acid, which is acidic and polar, at codon 1384 of the BRCA1 protein (p.Gly1384Glu). This variant has not been reported in the literature in individuals affected with BRCA1-related conditions. In summary, the available evidence is currently insufficient to determine the role of this variant in disease. Therefore, it has been classified as a Variant of Uncertain Significance. Advanced modeling of protein sequence and biophysical properties (such as structural, functional, and spatial information, amino acid conservation, physicochemical variation, residue mobility, and thermodynamic stability) performed at Invitae indicates that this missense variant is not expected to disrupt BRCA1 protein function. ClinVar contains an entry for this variant (Variation ID: 187199).